The following is an entry in ClinVar:

ClinVar aggregate classification (germline): Uncertain significance. Review status: criteria provided, multiple submitters, no conflicts (2 of 4 stars). 2 submissions from 2 submitters: Uncertain significance (2). Last evaluated 2024-10-24.

Conditions:
Inborn genetic diseases. Identifiers: MedGen C0950123, MeSH D030342.

Allele frequency attached by ClinVar (database versions not stated): gnomAD exomes 0.00002; ExAC 0.00004; ESP Exome Variant Server 0.00008; gnomAD 0.00008 and 0.00009; TOPMed 0.00009.
gnomAD v4.1: 24 of 1,613,416 alleles (0.0015%); highest among the groups gnomAD compares: African/African-American, 0.017%; no homozygotes.

Submissions (2):

Labcorp Genetics (formerly Invitae), Labcorp
Classification: Uncertain significance. Last evaluated: 2024-10-24. Review status: criteria provided, single submitter. Criteria: Invitae Variant Classification Sherloc (09022015). Collection method: clinical testing. Allele origin: germline.
Comment: This sequence change replaces glycine, which is neutral and non-polar, with alanine, which is neutral and non-polar, at codon 702 of the CDH3 protein (p.Gly702Ala). This variant is present in population databases (rs369776130, gnomAD 0.02%). This variant has not been reported in the literature in individuals affected with CDH3-related conditions. ClinVar contains an entry for this variant (Variation ID: 1431961). Invitae Evidence Modeling of protein sequence and biophysical properties (such as structural, functional, and spatial information, amino acid conservation, physicochemical variation, residue mobility, and thermodynamic stability) indicates that this missense variant is not expected to disrupt CDH3 protein function with a negative predictive value of 80%. In summary, the available evidence is currently insufficient to determine the role of this variant in disease. Therefore, it has been classified as a Variant of Uncertain Significance.

Ambry Genetics
Classification: Uncertain significance for Inborn genetic diseases. Last evaluated: 2024-04-22. Review status: criteria provided, single submitter. Criteria: Ambry Variant Classification Scheme 2023. Collection method: clinical testing. Allele origin: germline.

NM_001793.6(CDH3):c.2105G>C (p.Gly702Ala)

Gene: CDH3 (cadherin 3; plus strand). Cytogenetic location: 16q22.1.
Variant type: single nucleotide variant.
Coding change: c.2105G>C on transcript NM_001793.6 (MANE Select); coding-DNA position 2105, G replaced by C.
Protein change: p.Gly702Ala; replaces glycine 702 with alanine.
Molecular consequence: missense variant.
Genome position (GRCh38, 1-based): chr16:68,695,357, G>C. VCF-style: chr16-68695357-G-C. GRCh37 (hg19) VCF-style: chr16-68729260-G-C.
Other names: c.2105G>C, p.Gly702Ala (NM_001317195.3); c.1940G>C, p.Gly647Ala (NM_001317196.2); c.2105G>C (NM_001793.4); short protein forms G647A, G702A.
Identifiers: ClinVar variation 1431961 (VCV001431961.5), dbSNP rs369776130, ClinGen allele CA8129568.
Genomic context (GRCh38, chr16:68,695,357, plus strand): 5'-AGATCAAGGAGCCCCTCCTACTCCCAGAAGATGACACCCGTGACAACGTCTTCTACTATG[G>C]CGAAGAGGGGGGTGGCGAAGAGGACCAGGTGGGGCACTGGGGGCTCTGGGATTGGGAGGT-3'
Protein context (NP_001784.2, residues 692-712): DDTRDNVFYY[Gly702Ala]EEGGGEEDQD